The following is an entry in ClinVar:

NM_173354.5(SIK1):c.232A>T (p.Met78Leu)

Gene: SIK1 (salt inducible kinase 1; minus strand). Cytogenetic location: 21q22.3.
Variant type: single nucleotide variant.
Coding change: c.232A>T on transcript NM_173354.5 (MANE Select); coding-DNA position 232, A replaced by T.
Protein change: p.Met78Leu; replaces methionine 78 with leucine.
Molecular consequence: missense variant.
Genome position (GRCh38, 1-based): chr21:43,425,448, T>A on the plus strand (A>T on the coding strand, the complement: SIK1 is on the minus strand). VCF-style: chr21-43425448-T-A. GRCh37 (hg19) VCF-style: chr21-44845328-T-A.
Other names: short protein forms M78L.
Identifiers: ClinVar variation 655523 (VCV000655523.11), dbSNP rs1601511650, ClinGen allele CA410610707.

ClinVar aggregate classification (germline): Uncertain significance (1 of 4 stars; one submission).

Conditions:
Developmental and epileptic encephalopathy, 30 (DEE30). Also called: Epileptic encephalopathy, early infantile, 30. Identifiers: MedGen C4225360, MONDO:0014595, OMIM 616341.

Submission:

Labcorp Genetics (formerly Invitae), Labcorp
Classification: Uncertain significance for Developmental and epileptic encephalopathy, 30. Last evaluated: 2019-01-09. Review status: criteria provided, single submitter. Criteria: Invitae Variant Classification Sherloc (09022015). Collection method: clinical testing. Allele origin: germline.
Comment: This sequence change replaces methionine with leucine at codon 78 of the SIK1 protein (p.Met78Leu). The methionine residue is highly conserved and there is a small physicochemical difference between methionine and leucine. This variant is not present in population databases (ExAC no frequency). This variant has not been reported in the literature in individuals with SIK1-related disease. Algorithms developed to predict the effect of missense changes on protein structure and function are either unavailable or do not agree on the potential impact of this missense change (SIFT: "Deleterious"; PolyPhen-2: "Possibly Damaging"; Align-GVGD: "Class C0"). In summary, the available evidence is currently insufficient to determine the role of this variant in disease. Therefore, it has been classified as a Variant of Uncertain Significance.